The following is an entry in ClinVar:

NM_000069.3(CACNA1S):c.5399_5400delinsCC (p.Leu1800Ser)

Gene: CACNA1S (calcium voltage-gated channel subunit alpha1 S; minus strand). Cytogenetic location: 1q32.1.
Variant type: Indel.
Coding change: c.5399_5400delinsCC on transcript NM_000069.3 (MANE Select); coding-DNA positions 5399 to 5400, TG replaced by CC.
Protein change: p.Leu1800Ser; replaces leucine 1800 with serine.
Molecular consequence: missense variant.
Genome position (GRCh38, 1-based): chr1:201,040,053-201,040,054, CA replaced by GG on the plus strand (TG replaced by CC on the coding strand, the reverse complement: CACNA1S is on the minus strand). VCF-style: chr1-201040053-CA-GG. GRCh37 (hg19) VCF-style: chr1-201009181-CA-GG.
Other names: short protein forms L1800S.
Identifiers: ClinVar variation 4756245 (VCV004756245.1).

ClinVar aggregate classification (germline): Uncertain significance (1 of 4 stars; one submission).

Conditions:
Malignant hyperthermia, susceptibility to, 5 (MHS5). Also called: CACNA1S-Related Malignant Hyperthermia Susceptibility. Identifiers: Orphanet 423, MedGen C1866077, MONDO:0011163, OMIM 601887.

Submission:

Color Diagnostics, LLC DBA Color Health
Classification: Uncertain significance for Malignant hyperthermia, susceptibility to, 5. Last evaluated: 2025-08-22. Review status: criteria provided, single submitter. Criteria: ACMG Guidelines, 2015. Collection method: clinical testing. Allele origin: germline.
Comment: This missense variant replaces leucine with serine at codon 1800 of the CACNA1S protein. To our knowledge, functional studies have not been reported for this variant. This variant has not been reported in individuals affected with CACNA1S-related disorders in the literature. This variant has not been identified in the general population by the Genome Aggregation Database (gnomAD). The available evidence is insufficient to determine the role of this variant in disease conclusively. Therefore, this variant is classified as a Variant of Uncertain Significance.